The following is an entry in ClinVar:

NM_001042492.3(NF1):c.7062+3A>G

Gene: NF1 (neurofibromin 1; plus strand). Cytogenetic location: 17q11.2.
Variant type: single nucleotide variant.
Coding change: c.7062+3A>G on transcript NM_001042492.3 (MANE Select); 3 bases into the intron after coding-DNA position 7062, A replaced by G.
Molecular consequence: intron variant.
Genome position (GRCh38, 1-based): chr17:31,340,648, A>G. VCF-style: chr17-31340648-A-G. GRCh37 (hg19) VCF-style: chr17-29667666-A-G.
Other names: c.6999+3A>G (NM_000267.4).
Identifiers: ClinVar variation 2872826 (VCV002872826.3), dbSNP rs2151562063, ClinGen allele CA2739267442.
Genomic context (GRCh38, chr17:31,340,648, plus strand): 5'-CGCACTTCTTGAACAAAACCTGCATACTTTAGATAGTCTCCGTATATTCAATGACAAGGT[A>G]AGCAAACTTTGCCTTGAGGTTCCTAGATTACTCAAATTTAGTACTCTTCCATCTTTTCTT-3'

ClinVar aggregate classification (germline): Uncertain significance (1 of 4 stars; one submission).

Conditions:
Neurofibromatosis, type 1 (NF1). Also called: Peripheral type neurofibromatosis; Neurofibromatosis, type I; VON RECKLINGHAUSEN DISEASE; NEUROFIBROMATOSIS, TYPE I, SOMATIC. Identifiers: Orphanet 636, MedGen C0027831, MONDO:0018975, OMIM 162200. Disease mechanism: loss of function.

Submission:

Labcorp Genetics (formerly Invitae), Labcorp
Classification: Uncertain significance for Neurofibromatosis, type 1. Last evaluated: 2025-11-25. Review status: criteria provided, single submitter. Criteria: Invitae Variant Classification Sherloc (09022015). Collection method: clinical testing. Allele origin: germline.
Comment: This sequence change falls in intron 46 of the NF1 gene. It does not directly change the encoded amino acid sequence of the NF1 protein. It affects a nucleotide within the consensus splice site. This variant is not present in population databases (gnomAD no frequency). This variant has not been reported in the literature in individuals affected with NF1-related conditions. ClinVar contains an entry for this variant (Variation ID: 2872826). Variants that disrupt the consensus splice site are a relatively common cause of aberrant splicing (PMID: 17576681, 9536098). Algorithms developed to predict the effect of sequence changes on RNA splicing suggest that this variant is not likely to affect RNA splicing. In summary, the available evidence is currently insufficient to determine the role of this variant in disease. Therefore, it has been classified as a Variant of Uncertain Significance.

Literature cited by the submitters: PubMed 17576681; PubMed 9536098.